The following is an entry in ClinVar:

ClinVar aggregate classification (germline): Uncertain significance. Review status: criteria provided, multiple submitters, no conflicts (2 of 4 stars). 2 submissions from 2 submitters: Uncertain significance (2). Last evaluated 2025-07-08.

gnomAD v4.1: 10 of 1,609,382 alleles (0.00062%); highest among the groups gnomAD compares: Non-Finnish European, 0.00076%; no homozygotes.

Submissions (2):

Labcorp Genetics (formerly Invitae), Labcorp
Classification: Uncertain significance. Last evaluated: 2025-07-08. Review status: criteria provided, single submitter. Criteria: Invitae Variant Classification Sherloc (09022015). Collection method: clinical testing. Allele origin: germline.
Comment: This sequence change replaces aspartic acid, which is acidic and polar, with asparagine, which is neutral and polar, at codon 766 of the MYH7B protein (p.Asp766Asn). The frequency data for this variant in the population databases is considered unreliable, as metrics indicate poor data quality at this position in the gnomAD database. This variant has not been reported in the literature in individuals affected with MYH7B-related conditions. Invitae Evidence Modeling of protein sequence and biophysical properties (such as structural, functional, and spatial information, amino acid conservation, physicochemical variation, residue mobility, and thermodynamic stability) has been performed for this missense variant. However, the output from this modeling did not meet the statistical confidence thresholds required to predict the impact of this variant on MYH7B protein function. In summary, the available evidence is currently insufficient to determine the role of this variant in disease. Therefore, it has been classified as a Variant of Uncertain Significance.

Ambry Genetics
Classification: Uncertain significance. Last evaluated: 2025-06-19. Review status: criteria provided, single submitter. Criteria: Ambry Variant Classification Scheme 2023. Collection method: clinical testing. Allele origin: germline.

NM_020884.7(MYH7B):c.2170G>A (p.Asp724Asn)

Gene: MYH7B (myosin heavy chain 7B; plus strand). Cytogenetic location: 20q11.22.
Variant type: single nucleotide variant.
Coding change: c.2170G>A on transcript NM_020884.7 (MANE Select); coding-DNA position 2170, G replaced by A.
Protein change: p.Asp724Asn; replaces aspartic acid 724 with asparagine.
Molecular consequence: missense variant.
Genome position (GRCh38, 1-based): chr20:34,991,108, G>A. VCF-style: chr20-34991108-G-A. GRCh37 (hg19) VCF-style: chr20-33578911-G-A.
Other names: short protein forms D724N.
Identifiers: ClinVar variation 4114900 (VCV004114900.2).